The following is an entry in ClinVar:

NM_014244.5(ADAMTS2):c.1334G>A (p.Arg445His)

Gene: ADAMTS2 (ADAM metallopeptidase with thrombospondin type 1 motif 2; minus strand). Cytogenetic location: 5q35.3.
Variant type: single nucleotide variant.
Coding change: c.1334G>A on transcript NM_014244.5 (MANE Select); coding-DNA position 1334, G replaced by A.
Protein change: p.Arg445His; replaces arginine 445 with histidine.
Molecular consequence: missense variant.
Genome position (GRCh38, 1-based): chr5:179,154,097, C>T on the plus strand (G>A on the coding strand, the complement: ADAMTS2 is on the minus strand). VCF-style: chr5-179154097-C-T. GRCh37 (hg19) VCF-style: chr5-178581098-C-T.
Other names: c.1334G>A, p.Arg445His (NM_021599.4); short protein forms R445H.
Identifiers: ClinVar variation 2186737 (VCV002186737.4), dbSNP rs756990084, ClinGen allele CA3595963.

ClinVar aggregate classification (germline): Uncertain significance (1 of 4 stars; one submission).

Conditions:
Ehlers-Danlos syndrome, dermatosparaxis type. Also called: EDS VIIC; Dermatosparaxis; Ehlers-Danlos syndrome, type VII, autosomal recessive. Identifiers: Orphanet 1901, MedGen C2700425, MONDO:0009161, OMIM 225410.

Allele frequency attached by ClinVar (database versions not stated): gnomAD exomes below 0.00001; ExAC 0.00001; TOPMed 0.00001.
gnomAD v4.1: 5 of 1,602,274 alleles (0.00031%); highest among the groups gnomAD compares: Admixed American, 0.0017%; no homozygotes.

Submission:

Labcorp Genetics (formerly Invitae), Labcorp
Classification: Uncertain significance for Ehlers-Danlos syndrome, dermatosparaxis type. Last evaluated: 2024-01-22. Review status: criteria provided, single submitter. Criteria: Invitae Variant Classification Sherloc (09022015). Collection method: clinical testing. Allele origin: germline.
Comment: This sequence change replaces arginine, which is basic and polar, with histidine, which is basic and polar, at codon 445 of the ADAMTS2 protein (p.Arg445His). The frequency data for this variant in the population databases is considered unreliable, as metrics indicate poor data quality at this position in the gnomAD database. This variant has not been reported in the literature in individuals affected with ADAMTS2-related conditions. ClinVar contains an entry for this variant (Variation ID: 2186737). An algorithm developed to predict the effect of missense changes on protein structure and function (PolyPhen-2) suggests that this variant is likely to be disruptive. In summary, the available evidence is currently insufficient to determine the role of this variant in disease. Therefore, it has been classified as a Variant of Uncertain Significance.